The following is an entry in ClinVar:

ClinVar aggregate classification (germline): Uncertain significance. Review status: criteria provided, multiple submitters, no conflicts (2 of 4 stars). 2 submissions from 2 submitters: Uncertain significance (2). Last evaluated 2025-06-15.

Conditions:
Singleton-Merten syndrome 1 (SGMRT1). Also called: Widened medullary cavities of bone, aortic calcification, abnormal dentition, and muscular weakness; Syndrome of widened medullary cavities of the metacarpals and phalanges, aortic calcification and abnormal dentition. Identifiers: Orphanet 85191, MedGen C4225427, MONDO:0024535, OMIM 182250.
Aicardi-Goutieres syndrome 7 (AGS7). Identifiers: Orphanet 51, MedGen C3888244, MONDO:0014367, OMIM 615846.
Inborn genetic diseases. Identifiers: MedGen C0950123, MeSH D030342.

Allele frequency attached by ClinVar (database versions not stated): gnomAD exomes 0.00001 and 0.00004; gnomAD 0.00003 and 0.00004; TOPMed 0.00003.
gnomAD v4.1: 55 of 1,613,882 alleles (0.0034%); highest among the groups gnomAD compares: African/African-American, 0.0053%; no homozygotes.

Submissions (2):

Labcorp Genetics (formerly Invitae), Labcorp
Classification: Uncertain significance for Aicardi-Goutieres syndrome 7; Singleton-Merten syndrome 1. Last evaluated: 2025-06-15. Review status: criteria provided, single submitter. Criteria: Invitae Variant Classification Sherloc (09022015). Collection method: clinical testing. Allele origin: germline.
Comment: This sequence change replaces arginine, which is basic and polar, with glutamine, which is neutral and polar, at codon 728 of the IFIH1 protein (p.Arg728Gln). This variant is present in population databases (no rsID available, gnomAD 0.003%). This variant has not been reported in the literature in individuals affected with IFIH1-related conditions. This missense change has been observed in at least one individual who was not affected with IFIH1-related conditions (internal data). ClinVar contains an entry for this variant (Variation ID: 1404576). Invitae Evidence Modeling of protein sequence and biophysical properties (such as structural, functional, and spatial information, amino acid conservation, physicochemical variation, residue mobility, and thermodynamic stability) has been performed for this missense variant. However, the output from this modeling did not meet the statistical confidence thresholds required to predict the impact of this variant on IFIH1 protein function. In summary, the available evidence is currently insufficient to determine the role of this variant in disease. Therefore, it has been classified as a Variant of Uncertain Significance.

Ambry Genetics
Classification: Uncertain significance for Inborn genetic diseases. Last evaluated: 2023-05-30. Review status: criteria provided, single submitter. Criteria: Ambry Variant Classification Scheme 2023. Collection method: clinical testing. Allele origin: germline.

NM_022168.4(IFIH1):c.2183G>A (p.Arg728Gln)

Gene: IFIH1 (interferon induced with helicase C domain 1; minus strand). Cytogenetic location: 2q24.2.
Variant type: single nucleotide variant.
Coding change: c.2183G>A on transcript NM_022168.4 (MANE Select); coding-DNA position 2183, G replaced by A.
Protein change: p.Arg728Gln; replaces arginine 728 with glutamine.
Molecular consequence: missense variant.
Genome position (GRCh38, 1-based): chr2:162,276,808, C>T on the plus strand (G>A on the coding strand, the complement: IFIH1 is on the minus strand). VCF-style: chr2-162276808-C-T. GRCh37 (hg19) VCF-style: chr2-163133318-C-T.
Other names: c.2183G>A (NM_022168.2); short protein forms R728Q.
Identifiers: ClinVar variation 1404576 (VCV001404576.9), dbSNP rs1266522773, ClinGen allele CA348996986.